The following is an entry in ClinVar:

NM_007294.4(BRCA1):c.5164T>G (p.Ser1722Ala)

Gene: BRCA1 (BRCA1 DNA repair associated; minus strand). Cytogenetic location: 17q21.31.
Variant type: single nucleotide variant.
Coding change: c.5164T>G on transcript NM_007294.4 (MANE Select); coding-DNA position 5164, T replaced by G.
Protein change: p.Ser1722Ala; replaces serine 1722 with alanine.
Molecular consequence: missense variant. On other transcripts: non-coding transcript variant (1).
Genome position (GRCh38, 1-based): chr17:43,063,362, A>C on the plus strand (T>G on the coding strand, the complement: BRCA1 is on the minus strand). VCF-style: chr17-43063362-A-C. GRCh37 (hg19) VCF-style: chr17-41215379-A-C.
Other names: c.4951T>G, p.Ser1651Ala (NM_001407571.1, NM_001407900.1, NM_001407902.1 and 12 more transcripts); c.5230T>G, p.Ser1744Ala (NM_001407581.1, NM_001407582.1); c.5227T>G, p.Ser1743Ala (NM_001407583.1, NM_001407585.1, NM_001407587.1 and 1 more transcripts); c.5161T>G, p.Ser1721Ala (NM_001407610.1, NM_001407611.1, NM_001407612.1 and 17 more transcripts); c.5158T>G, p.Ser1720Ala (NM_001407629.1, NM_001407630.1, NM_001407631.1 and 14 more transcripts); c.5104T>G, p.Ser1702Ala (NM_001407649.1); c.5086T>G, p.Ser1696Ala (NM_001407652.1, NM_001407653.1, NM_001407654.1 and 1 more transcripts); c.5083T>G, p.Ser1695Ala (NM_001407656.1, NM_001407657.1, NM_001407658.1); and 72 more; short protein forms S1675A, S1743A, S1722A, S618A, S1425A, S1609A, S1650A, S1652A.
Identifiers: ClinVar variation 868765 (VCV000868765.3), dbSNP rs483353100, ClinGen allele CA10591216.
Genomic context (GRCh38, chr17:43,063,362, plus strand): 5'-CTCTGGTTAGTTTGTAACATCAAGTACTTACCTCATTCAGCATTTTTCTTTCTTTAATAG[A>C]CTGGGTCACCCCTAAAGAGATCATAGAAAAGACAGGTTACATACAGCAGAAGAACGTGCT-3'
Protein context (NP_009225.1, residues 1712-1732): WVVSYFWVTQ[Ser1722Ala]IKERKMLNEH

Conditions:
Breast-ovarian cancer, familial, susceptibility to, 1 (BROVCA1). Also called: BRCA1 Hereditary Breast and Ovarian Cancer; OVARIAN CANCER, SUSCEPTIBILITY TO. Identifiers: Orphanet 145, MedGen C2676676, MONDO:0011450, OMIM 604370. Disease mechanism: loss of function.

Submission:

Brotman Baty Institute, University of Washington
No classification provided (evidence only). Condition: Breast-ovarian cancer, familial 1. Review status: no classification provided. Collection method: in vitro. Allele origin: not applicable. Functional consequence: functionally_normal.
ClinVar note: "not provided" was previously submitted as the classification for the variant. However, the classification appeared to be based only on an observation of functional data so it was converted to no classification on 2025-07-30.